The following is an entry in ClinVar:

ClinVar aggregate classification (germline): Likely benign (1 of 4 stars; one submission).

gnomAD v4.1: 8 of 1,614,072 alleles (0.0005%); highest among the groups gnomAD compares: Non-Finnish European, 0.00059%; no homozygotes.

Submission:

Women's Health and Genetics/Laboratory Corporation of America, LabCorp
Classification: Likely benign. Last evaluated: 2024-10-08. Review status: criteria provided, single submitter. Criteria: LabCorp Variant Classification Summary - May 2015. Collection method: clinical testing. Allele origin: germline.
Comment: Variant summary: JPH1 c.822C>T alters a non-conserved nucleotide resulting in a synonymous change. The variant allele was found at a frequency of 4e-06 in 251474 control chromosomes. The available data on variant occurrences in the general population are insufficient to allow any conclusion about variant significance. To our knowledge, no occurrence of c.822C>T in individuals affected with Charcot-Marie-Tooth disease axonal type 2K and no experimental evidence demonstrating its impact on protein function have been reported. No submitters have cited clinical-significance assessments for this variant to ClinVar. Based on the evidence outlined above, the variant was classified as likely benign.

NM_020647.4(JPH1):c.822C>T (p.Asp274=)

Gene: JPH1 (junctophilin 1; minus strand). Cytogenetic location: 8q21.11.
Variant type: single nucleotide variant.
Coding change: c.822C>T on transcript NM_020647.4 (MANE Select); coding-DNA position 822, C replaced by T.
Protein change: p.Asp274=; no amino-acid change (aspartic acid 274 retained).
Molecular consequence: synonymous variant.
Genome position (GRCh38, 1-based): chr8:74,315,178, G>A on the plus strand (C>T on the coding strand, the complement: JPH1 is on the minus strand). VCF-style: chr8-74315178-G-A. GRCh37 (hg19) VCF-style: chr8-75227413-G-A.
Other names: c.822C>T, p.Asp274= (NM_001317830.2, NM_001363050.1, NM_001363051.1).
Identifiers: ClinVar variation 3384833 (VCV003384833.1).